The following is an entry in ClinVar:

ClinVar aggregate classification (germline): Uncertain significance (1 of 4 stars; one submission).

Conditions:
Familial thoracic aortic aneurysm and aortic dissection (TAAD). Also called: Thoracic aortic aneurysms and dissections. Identifiers: Orphanet 91387, MedGen C4707243, MONDO:0019625.

Allele frequency attached by ClinVar (database versions not stated): TOPMed below 0.00001.

Submission:

Ambry Genetics
Classification: Uncertain significance for Familial thoracic aortic aneurysm and aortic dissection. Last evaluated: 2017-12-15. Review status: criteria provided, single submitter. Criteria: Ambry Variant Classification Scheme 2023. Collection method: clinical testing. Allele origin: germline.
Comment: The p.L393I variant (also known as c.1177C>A), located in coding exon 3 of the SKI gene, results from a C to A substitution at nucleotide position 1177. The leucine at codon 393 is replaced by isoleucine, an amino acid with highly similar properties. This amino acid position is not well conserved in available vertebrate species. In addition, this alteration is predicted to be tolerated by in silico analysis. Since supporting evidence is limited at this time, the clinical significance of this alteration remains unclear.

NM_003036.4(SKI):c.1177C>A (p.Leu393Ile)

Gene: SKI (SKI proto-oncogene; plus strand). Cytogenetic location: 1p36.32.
Variant type: single nucleotide variant.
Coding change: c.1177C>A on transcript NM_003036.4 (MANE Select); coding-DNA position 1177, C replaced by A.
Protein change: p.Leu393Ile; replaces leucine 393 with isoleucine.
Molecular consequence: missense variant.
Genome position (GRCh38, 1-based): chr1:2,303,366, C>A. VCF-style: chr1-2303366-C-A. GRCh37 (hg19) VCF-style: chr1-2234805-C-A.
Other names: short protein forms L393I.
Identifiers: ClinVar variation 1741006 (VCV001741006.2), dbSNP rs768838307, ClinGen allele CA536605.